The following is an entry in ClinVar:

ClinVar aggregate classification (germline): Uncertain significance (1 of 4 stars; one submission).

Conditions:
Generalized epilepsy with febrile seizures plus. Also called: Generalized Epilepsy with Febrile Seizures Plus (GEFS+). Identifiers: Orphanet 36387, MedGen C3502809, MONDO:0018214.

Submission:

Illumina Laboratory Services, Illumina
Classification: Uncertain significance for Generalized epilepsy with febrile seizures plus. Last evaluated: 2021-12-21. Review status: criteria provided, single submitter. Criteria: ICSLVariantClassificationCriteria RUGD 01 April 2020. Collection method: clinical testing. Allele origin: unknown.
Comment: The SCN1A c.2636T>C (p.Leu879Pro) missense variant results in the substitution of leucine at amino acid position 879 with proline. This variant has been reported in a heterozygous state in one individual with Dravet syndrome (Møller et al. 2016; Brunklaus et al. 2020; Johannesen et al. 2020). Inheritance information was unavailable for this patient. This variant is not found in version 2.1.1 or version 3.1.2 of the Genome Aggregation Database. The c.2636T>C variant is located in the D2 transmembrane domain and multiple lines of computational evidence suggest the variant may have a deleterious effect on the gene or gene product. Based on the available evidence, the c.2636T>C (p.Leu879Pro) variant is classified as a variant of uncertain significance for generalized epilepsy with febrile seizures plus.

Literature cited by the submitters: PubMed 27781031; PubMed 32090326; PubMed 32427350.

NM_001165963.4(SCN1A):c.2636T>C (p.Leu879Pro)

Gene: SCN1A (sodium voltage-gated channel alpha subunit 1; minus strand). Cytogenetic location: 2q24.3.
Variant type: single nucleotide variant.
Coding change: c.2636T>C on transcript NM_001165963.4 (MANE Select); coding-DNA position 2636, T replaced by C.
Protein change: p.Leu879Pro; replaces leucine 879 with proline.
Molecular consequence: missense variant. On other transcripts: non-coding transcript variant (1).
Genome position (GRCh38, 1-based): chr2:166,038,086, A>G on the plus strand (T>C on the coding strand, the complement: SCN1A is on the minus strand). VCF-style: chr2-166038086-A-G. GRCh37 (hg19) VCF-style: chr2-166894596-A-G.
Other names: c.2552T>C, p.Leu851Pro (NM_001165964.3, NM_001353957.2, NM_001353958.2); c.2636T>C, p.Leu879Pro (NM_001202435.3, NM_001353948.2); c.2603T>C, p.Leu868Pro (NM_001353949.2, NM_001353950.2, NM_001353951.2 and 2 more transcripts); c.2600T>C, p.Leu867Pro (NM_001353954.2, NM_001353955.2); c.2549T>C, p.Leu850Pro (NM_001353960.2); c.194T>C, p.Leu65Pro (NM_001353961.2); short protein forms L65P, L850P, L851P, L867P, L868P, L879P.
Identifiers: ClinVar variation 1693292 (VCV001693292.3), dbSNP rs1559200901, ClinGen allele CA349061700.